The following is an entry in ClinVar:

ClinVar aggregate classification (germline): Uncertain significance (1 of 4 stars; one submission).

Conditions:
Dyskeratosis congenita. Identifiers: Orphanet 1775, MedGen C0265965, MONDO:0015780.

gnomAD v4.1: 4 of 1,205,171 alleles (0.00033%); highest among the groups gnomAD compares: Admixed American, 0.0088%; no homozygotes.

Submissions (2):

Labcorp Genetics (formerly Invitae), Labcorp
Classification: Uncertain significance for Dyskeratosis congenita. Last evaluated: 2025-06-18. Review status: criteria provided, single submitter. Criteria: Invitae Variant Classification Sherloc (09022015). Collection method: clinical testing. Allele origin: germline.
Comment: This sequence change replaces alanine, which is neutral and non-polar, with valine, which is neutral and non-polar, at codon 149 of the DKC1 protein (p.Ala149Val). This variant is present in population databases (rs782416470, gnomAD 0.01%). This variant has not been reported in the literature in individuals affected with DKC1-related conditions. An algorithm developed to predict the effect of missense changes on protein structure and function (PolyPhen-2) suggests that this variant is likely to be disruptive. Algorithms developed to predict the effect of sequence changes on RNA splicing suggest that this variant may create or strengthen a splice site. In summary, the available evidence is currently insufficient to determine the role of this variant in disease. Therefore, it has been classified as a Variant of Uncertain Significance.

Dr. Peter K. Rogan Lab, Western University
No classification provided (evidence only). Condition: Gastric cancer. Review status: no classification provided. Collection method: in vitro. Allele origin: not applicable. Functional consequence: retained intron. Not counted in ClinVar's aggregate classification.

NM_001363.5(DKC1):c.446C>T (p.Ala149Val)

Gene: DKC1 (dyskerin pseudouridine synthase 1; plus strand). Cytogenetic location: Xq28.
Variant type: single nucleotide variant.
Coding change: c.446C>T on transcript NM_001363.5 (MANE Select); coding-DNA position 446, C replaced by T.
Protein change: p.Ala149Val; replaces alanine 149 with valine.
Molecular consequence: missense variant. On other transcripts: non-coding transcript variant (3).
Genome position (GRCh38, 1-based): chrX:154,766,398, C>T. VCF-style: chrX-154766398-C-T. GRCh37 (hg19) VCF-style: chrX-153994673-C-T.
Other names: NC_000023.10:g.153994673C>T; c.446C>T, p.Ala149Val (NM_001142463.3, NM_001288747.2); short protein forms A149V.
Identifiers: ClinVar variation 4479691 (VCV004479691.2).